The following is an entry in ClinVar:

NM_144573.4(NEXN):c.1959G>A (p.Met653Ile)

Gene: NEXN (nexilin F-actin binding protein; plus strand). Cytogenetic location: 1p31.1.
Variant type: single nucleotide variant.
Coding change: c.1959G>A on transcript NM_144573.4 (MANE Select); coding-DNA position 1959, G replaced by A.
Protein change: p.Met653Ile; replaces methionine 653 with isoleucine.
Molecular consequence: missense variant.
Genome position (GRCh38, 1-based): chr1:77,942,760, G>A. VCF-style: chr1-77942760-G-A. GRCh37 (hg19) VCF-style: chr1-78408445-G-A.
Other names: c.1767G>A, p.Met589Ile (NM_001172309.2); short protein forms M653I, M589I.
Identifiers: ClinVar variation 2127920 (VCV002127920.5), dbSNP rs1651491492, ClinGen allele CA340883277.
Genomic context (GRCh38, chr1:77,942,760, plus strand): 5'-GGGAGAAACTTACTGCCTTTACTTACCAGAAACTTTCCCAGAAGATGGAGGAGAGTATAT[G>A]TGTAAAGCAGTCAACAATAAAGGATCTGCAGCTAGTACCTGTATTCTTACCATTGAAAGT-3'
Protein context (NP_653174.3, residues 643-663): ETFPEDGGEY[Met653Ile]CKAVNNKGSA

ClinVar aggregate classification (germline): Uncertain significance. Review status: criteria provided, multiple submitters, no conflicts (2 of 4 stars). 2 submissions from 2 submitters: Uncertain significance (2). Last evaluated 2024-09-20.

Conditions:
Hypertrophic cardiomyopathy 20. Identifiers: MedGen C3151267, MONDO:0013477, OMIM 613876.
Dilated cardiomyopathy 1CC (CMD1CC). Identifiers: Orphanet 154, MedGen C2751084, MONDO:0013147, OMIM 613122.
Cardiovascular phenotype. Identifiers: MedGen CN230736.

Allele frequency attached by ClinVar (database versions not stated): gnomAD exomes below 0.00001; gnomAD 0.00001.
gnomAD v4.1: 2 of 1,613,362 alleles (0.00012%); highest among the groups gnomAD compares: Admixed American, 0.0017%; no homozygotes.

Submissions (2):

Ambry Genetics
Classification: Uncertain significance for Cardiovascular phenotype. Last evaluated: 2024-09-20. Review status: criteria provided, single submitter. Criteria: Ambry Variant Classification Scheme 2023. Collection method: clinical testing. Allele origin: germline.
Comment: The p.M653I variant (also known as c.1959G>A), located in coding exon 12 of the NEXN gene, results from a G to A substitution at nucleotide position 1959. The methionine at codon 653 is replaced by isoleucine, an amino acid with highly similar properties. This amino acid position is conserved. In addition, the in silico prediction for this alteration is inconclusive. Based on the available evidence, the clinical significance of this variant remains unclear.

Labcorp Genetics (formerly Invitae), Labcorp
Classification: Uncertain significance for Dilated cardiomyopathy 1CC; Hypertrophic cardiomyopathy 20. Last evaluated: 2022-04-19. Review status: criteria provided, single submitter. Criteria: Invitae Variant Classification Sherloc (09022015). Collection method: clinical testing. Allele origin: germline.
Comment: This sequence change replaces methionine, which is neutral and non-polar, with isoleucine, which is neutral and non-polar, at codon 653 of the NEXN protein (p.Met653Ile). In summary, the available evidence is currently insufficient to determine the role of this variant in disease. Therefore, it has been classified as a Variant of Uncertain Significance. Algorithms developed to predict the effect of missense changes on protein structure and function are either unavailable or do not agree on the potential impact of this missense change (SIFT: "Deleterious"; PolyPhen-2: "Probably Damaging"; Align-GVGD: "Class C0"). This variant has not been reported in the literature in individuals affected with NEXN-related conditions. This variant is not present in population databases (gnomAD no frequency).